The following is an entry in ClinVar:

ClinVar aggregate classification (germline): Conflicting classifications of pathogenicity. Review status: criteria provided, conflicting classifications (1 of 4 stars). 29 submissions from 28 submitters: Uncertain significance (1); Benign (13); Likely benign (8). 7 of the submissions do not count toward it. Last evaluated 2026-09-01.

Conditions:
Tuberous sclerosis 2 (TSC2). Identifiers: Orphanet 805, MedGen C1860707, MONDO:0013199, OMIM 613254.
Isolated focal cortical dysplasia type II (FCORD2). Also called: Focal cortical dysplasia type II; CORTICAL DYSPLASIA OF TAYLOR. Identifiers: Orphanet 268994, MedGen C1846385, MONDO:0011818, OMIM 607341, HP:0032051.
Lymphangiomyomatosis (LAM). Also called: Lymphangioleiomyomatosis, somatic; Lymphangioleiomyomatosis. Identifiers: Orphanet 538, MedGen C0751674, MONDO:0011705, OMIM 606690.
Hereditary cancer-predisposing syndrome. Also called: Neoplastic Syndromes, Hereditary; Hereditary neoplastic syndrome; Hereditary Cancer Syndrome; Tumor predisposition. Identifiers: Orphanet 140162, MedGen C0027672, MeSH D009386, MONDO:0015356.
Tuberous sclerosis syndrome (TSC). Also called: Tuberous sclerosis; Tuberous Sclerosis Complex. Identifiers: Orphanet 805, MedGen C0041341, MONDO:0001734.
Autism spectrum disorder. Also called: Autism spectrum disorders. Identifiers: MedGen C1510586, MeSH D000067877, MONDO:0005258.

Allele frequency attached by ClinVar (database versions not stated): 1000 Genomes Project 30x 0.00109; TOPMed 0.00178; gnomAD exomes 0.00270 and 0.00253; ExAC 0.00334; ESP Exome Variant Server 0.00232; gnomAD 0.00291 and 0.00306; 1000 Genomes Project 0.00140.
gnomAD v4.1: 4,107 of 1,608,856 alleles (0.26%); highest among the groups gnomAD compares: Non-Finnish European, 0.27%; 13 homozygotes.

Submissions (29):

CeGaT Center for Human Genetics Tuebingen
Classification: Likely benign. Last evaluated: 2026-09-01. Review status: criteria provided, single submitter. Criteria: CeGaT Center For Human Genetics Tuebingen Variant Classification Criteria Version 2. Collection method: clinical testing. Allele origin: germline. Affected: yes. Observed: 116 variant alleles.
Comment: TSC2: BP4, BS1

Labcorp Genetics (formerly Invitae), Labcorp
Classification: Benign for Tuberous sclerosis 2. Last evaluated: 2026-02-03. Review status: criteria provided, single submitter. Criteria: Invitae Variant Classification Sherloc (09022015). Collection method: clinical testing. Allele origin: germline.

Dasa
Classification: Uncertain significance for Tuberous sclerosis 2. Last evaluated: 2025-11-13. Review status: criteria provided, single submitter. Criteria: DASA Assertion Criteria. Collection method: clinical testing. Allele origin: germline.
Comment: NM_000548.5(TSC2):c.4285G>T (p.Ala1429Ser) is a missense variant that results in the substitution of alanine with serine. This classification is supported by population frequency inconsistent with a disease-causing role. The currently available literature and clinical evidence are not sufficient to establish a definitive association between this variant and the reported condition. Therefore, this variant is classified as a variant of uncertain significance.

Myriad Genetics, Inc.
Classification: Benign for Tuberous sclerosis 2. Last evaluated: 2025-06-03. Review status: criteria provided, single submitter. Criteria: Myriad Autosomal Dominant, Autosomal Recessive and X-Linked Classification Criteria (2023). Collection method: clinical testing. Allele origin: unknown.
Comment: This variant is considered benign. This variant has been observed at a population frequency that is significantly greater than expected given the associated disease prevalence and penetrance. Homozygosity has been confirmed in one or more individuals. As homozygosity for pathogenic variants in this gene is generally assumed to result in embryonic lethality, this variant is unlikely to be pathogenic.

Quest Diagnostics Nichols Institute San Juan Capistrano
Classification: Benign. Last evaluated: 2025-05-31. Review status: criteria provided, single submitter. Criteria: Quest Diagnostics criteria. Collection method: clinical testing. Allele origin: unknown.

ARUP Laboratories, Molecular Genetics and Genomics, ARUP Laboratories
Classification: Benign. Last evaluated: 2025-03-11. Review status: criteria provided, single submitter. Criteria: ARUP Molecular Germline Variant Investigation Process 2024. Collection method: clinical testing. Allele origin: germline.

Mayo Clinic Laboratories, Mayo Clinic
Classification: Likely benign. Last evaluated: 2025-03-03. Review status: criteria provided, single submitter. Criteria: ACMG Guidelines, 2015. Collection method: clinical testing. Allele origin: germline. Observed: 9 variant alleles.
Comment: BS1

KCCC/NGS Laboratory, Kuwait Cancer Control Center
Classification: Benign for Tuberous sclerosis 2. Last evaluated: 2025-02-01. Review status: criteria provided, single submitter. Criteria: ACMG Guidelines, 2015. Collection method: clinical testing. Allele origin: germline. Affected: no.

Blueprint Genetics
Classification: Likely benign. Last evaluated: 2024-11-27. Review status: criteria provided, single submitter. Criteria: ACMG Guidelines, 2015. Collection method: clinical testing. Allele origin: germline.

Color Diagnostics, LLC DBA Color Health
Classification: Benign for Tuberous sclerosis syndrome. Last evaluated: 2022-09-20. Review status: criteria provided, single submitter. Criteria: ACMG Guidelines, 2015. Collection method: clinical testing. Allele origin: germline.

Genome-Nilou Lab
Classification: Benign for Tuberous sclerosis 2. Last evaluated: 2021-11-07. Review status: criteria provided, single submitter. Criteria: ACMG Guidelines, 2015. Collection method: clinical testing. Allele origin: germline. Affected: no.

Institute for Clinical Genetics, University Hospital TU Dresden, University Hospital TU Dresden
Classification: Likely benign. Last evaluated: 2021-11-03. Review status: criteria provided, single submitter. Criteria: ACMG Guidelines, 2015. Collection method: clinical testing. Allele origin: germline.

Women's Health and Genetics/Laboratory Corporation of America, LabCorp
Classification: Likely benign. Last evaluated: 2021-10-10. Review status: criteria provided, single submitter. Criteria: LabCorp Variant Classification Summary - May 2015. Collection method: clinical testing. Allele origin: germline.

Fulgent Genetics
Classification: Likely benign for Lymphangiomyomatosis; Isolated focal cortical dysplasia type II; Tuberous sclerosis 2. Last evaluated: 2021-10-02. Review status: criteria provided, single submitter. Criteria: ACMG Guidelines, 2015. Collection method: clinical testing. Allele origin: unknown.

Sema4
Classification: Benign for Hereditary cancer-predisposing syndrome. Last evaluated: 2020-08-18. Review status: criteria provided, single submitter. Criteria: Sema4 Curation Guidelines. Collection method: curation. Allele origin: germline.

Illumina Laboratory Services, Illumina
Classification: Benign for Tuberous sclerosis syndrome. Last evaluated: 2018-01-12. Review status: criteria provided, single submitter. Criteria: ICSL Variant Classification Criteria 13 December 2019. Collection method: clinical testing. Allele origin: germline.
Comment: This variant was observed in the ICSL laboratory as part of a predisposition screen in an ostensibly healthy population. It had not been previously curated by ICSL or reported in the Human Gene Mutation Database (HGMD: prior to June 1st, 2018), and was therefore a candidate for classification through an automated scoring system. Utilizing variant allele frequency, disease prevalence and penetrance estimates, and inheritance mode, an automated score was calculated to assess if this variant is too frequent to cause the disease. Based on the score and internal cut-off values, a variant classified as benign is not then subjected to further curation. The score for this variant resulted in a classification of benign for this disease.

Athena Diagnostics
Classification: Benign for Tuberous sclerosis 2. Last evaluated: 2017-05-25. Review status: criteria provided, single submitter. Criteria: Athena Diagnostics Criteria. Collection method: clinical testing. Allele origin: germline.

Genetic Services Laboratory, University of Chicago
Classification: Likely benign. Last evaluated: 2015-03-16. Review status: criteria provided, single submitter. Criteria: ACMG Guidelines, 2015. Collection method: clinical testing. Allele origin: germline.

Ambry Genetics
Classification: Benign for Hereditary cancer-predisposing syndrome. Last evaluated: 2014-12-11. Review status: criteria provided, single submitter. Criteria: Ambry Variant Classification Scheme 2023. Collection method: clinical testing. Allele origin: germline.

GeneDx
Classification: Benign. Last evaluated: 2013-04-11. Review status: criteria provided, single submitter. Criteria: GeneDx Variant Classification (06012015). Collection method: clinical testing. Allele origin: germline. Affected: yes.
Comment: This variant is considered likely benign or benign based on one or more of the following criteria: it is a conservative change, it occurs at a poorly conserved position in the protein, it is predicted to be benign by multiple in silico algorithms, and/or has population frequency not consistent with disease.

Breakthrough Genomics
Classification: Likely benign. Review status: criteria provided, single submitter. Criteria: ACMG Guidelines, 2015. Collection method: not provided. Allele origin: germline. Inheritance: Autosomal dominant inheritance. Affected: yes.

PreventionGenetics, part of Exact Sciences
Classification: Benign. Review status: criteria provided, single submitter. Criteria: ACMG Guidelines, 2015. Collection method: clinical testing. Allele origin: germline.

ITMI
No classification provided. Condition: AllHighlyPenetrant. Last evaluated: 2013-09-19. Review status: no classification provided. Collection method: reference population. Allele origin: germline. Not counted in ClinVar's aggregate classification.
Comment: Please see associated publication for description of ethnicities

Biesecker Lab/Clinical Genomics Section, National Institutes of Health
Classification: Benign. Last evaluated: 2012-07-13. Review status: no assertion criteria provided. Collection method: research. Allele origin: germline. Affected: no. Observed: 4 variant alleles. Study: ClinSeq. Not counted in ClinVar's aggregate classification.
ClinVar note: Converted during submission from no known pathogenicity to Benign.

Clinical Genetics DNA and cytogenetics Diagnostics Lab, Erasmus MC, Erasmus Medical Center
Classification: Benign. Review status: no assertion criteria provided. Collection method: clinical testing. Allele origin: germline. Affected: yes. Study: VKGL Data-share Consensus. Not counted in ClinVar's aggregate classification.

Clinical Genetics, Academic Medical Center
Classification: Benign. Review status: no assertion criteria provided. Collection method: clinical testing. Allele origin: germline. Affected: yes. Study: VKGL Data-share Consensus. Not counted in ClinVar's aggregate classification.

Genome Diagnostics Laboratory, Amsterdam University Medical Center
Classification: Benign. Review status: no assertion criteria provided. Collection method: clinical testing. Allele origin: germline. Affected: yes. Study: VKGL Data-share Consensus. Not counted in ClinVar's aggregate classification.

Tuberous sclerosis database (TSC2)
No classification provided. Condition: TSC. Review status: no classification provided. Criteria: Tuberous Sclerosis Database Assertion Criteria 2015. Collection method: curation. Allele origin: germline. Affected: yes and no. Not counted in ClinVar's aggregate classification.

Tuberous sclerosis database (TSC2)
No classification provided. Condition: ASD. Review status: no classification provided. Criteria: Tuberous Sclerosis Database Assertion Criteria 2015. Collection method: curation. Allele origin: germline. Affected: yes. Not counted in ClinVar's aggregate classification.

Literature cited by the submitters: PubMed 15024740 (cited by Athena Diagnostics); PubMed 17304050 (cited by Athena Diagnostics); PubMed 23514105 (cited by Athena Diagnostics); PubMed 25231023 (cited by Athena Diagnostics); PubMed 22558107 (cited by Athena Diagnostics); PubMed 24728327 (cited by ITMI).

NM_000548.5(TSC2):c.4285G>T (p.Ala1429Ser)

Gene: TSC2 (TSC complex subunit 2; plus strand). Cytogenetic location: 16p13.3.
Variant type: single nucleotide variant.
Coding change: c.4285G>T on transcript NM_000548.5 (MANE Select); coding-DNA position 4285, G replaced by T.
Protein change: p.Ala1429Ser; replaces alanine 1429 with serine.
Molecular consequence: missense variant.
Genome position (GRCh38, 1-based): chr16:2,084,507, G>T. VCF-style: chr16-2084507-G-T. GRCh37 (hg19) VCF-style: chr16-2134508-G-T.
Other names: p.A1429S:GCC>TCC; c.4084G>T, p.Ala1362Ser (NM_001077183.3); c.4216G>T, p.Ala1406Ser (NM_001114382.3); c.3976G>T, p.Ala1326Ser (NM_001318827.2); c.3940G>T, p.Ala1314Ser (NM_001318829.2); c.3553G>T, p.Ala1185Ser (NM_001318831.2); c.4117G>T, p.Ala1373Ser (NM_001318832.2); c.4087G>T, p.Ala1363Ser (NM_001363528.2); and 2 more; short protein forms A1429S, A1185S, A1326S, A1386S, A1406S, A1363S, A1314S, A1385S.
Identifiers: ClinVar variation 41741 (VCV000041741.97), dbSNP rs45474795, ClinGen allele CA020193.
Genomic context (GRCh38, chr16:2,084,507, plus strand): 5'-CGGCTGAGCCCTGAGGTTAAGGCCCGGTCACAGTCAGGGACCCTGGACGGGGAAAGTGCT[G>T]CCTGGTCGGCCTCGGGCGAAGACAGTCGGGGCCAGCCCGAGGGTCCCTTGCCTTCCAGCT-3'
Protein context (NP_000539.2, residues 1419-1439): QSGTLDGESA[Ala1429Ser]WSASGEDSRG